The following is an entry in ClinVar:

NM_033380.3(COL4A5):c.3878C>T (p.Pro1293Leu)

Gene: COL4A5 (collagen type IV alpha 5 chain; plus strand). Cytogenetic location: Xq22.3.
Variant type: single nucleotide variant.
Coding change: c.3878C>T on transcript NM_033380.3 (MANE Select); coding-DNA position 3878, C replaced by T.
Protein change: p.Pro1293Leu; replaces proline 1293 with leucine.
Molecular consequence: missense variant.
Genome position (GRCh38, 1-based): chrX:108,677,569, C>T. VCF-style: chrX-108677569-C-T. GRCh37 (hg19) VCF-style: chrX-107920799-C-T.
Other names: c.3860C>T (NM_000495.3); c.3860C>T, p.Pro1287Leu (NM_000495.5); short protein forms P1287L, P1293L.
Identifiers: ClinVar variation 1002655 (VCV001002655.13), dbSNP rs1397121500, ClinGen allele CA413850406.

ClinVar aggregate classification (germline): Uncertain significance. Review status: criteria provided, multiple submitters, no conflicts (2 of 4 stars). 6 submissions from 6 submitters: Uncertain significance (5). 1 of the submissions does not count toward it. Last evaluated 2026-04-15.

Conditions:
Inborn genetic diseases. Identifiers: MedGen C0950123, MeSH D030342.
X-linked Alport syndrome (ATS1). Also called: NEPHROPATHY AND DEAFNESS, X-LINKED; COL4A5-Related Nephropathy. Identifiers: Orphanet 63, Orphanet 88917, MedGen C4746986, MONDO:0010520, OMIM 301050.

Allele frequency attached by ClinVar (database versions not stated): gnomAD 0.00001; TOPMed 0.00005.
gnomAD v4.1: 2 of 1,209,056 alleles (0.00017%); highest among the groups gnomAD compares: African/African-American, 0.0017%; no homozygotes.

Submissions (6):

Ambry Genetics
Classification: Uncertain significance for Inborn genetic diseases. Last evaluated: 2026-04-15. Review status: criteria provided, single submitter. Criteria: Ambry Variant Classification Scheme 2023. Collection method: clinical testing. Allele origin: germline.

Fulgent Genetics
Classification: Uncertain significance for X-linked Alport syndrome. Last evaluated: 2024-05-16. Review status: criteria provided, single submitter. Criteria: ACMG Guidelines, 2015. Collection method: clinical testing. Allele origin: germline.

GeneDx
Classification: Uncertain significance. Last evaluated: 2024-04-18. Review status: criteria provided, single submitter. Criteria: GeneDx Variant Classification Process June 2021. Collection method: clinical testing. Allele origin: germline. Affected: yes.
Comment: Not observed in large population cohorts (gnomAD); In silico analysis supports that this missense variant has a deleterious effect on protein structure/function; Occurs in the triple helical domain at the Y position in the canonical Gly-X-Y repeat. Although this variant may have an effect on normal protein folding and function, missense substitution at the Y position is not a common mechanism of disease; Has not been previously published as pathogenic or benign to our knowledge

Labcorp Genetics (formerly Invitae), Labcorp
Classification: Uncertain significance. Last evaluated: 2021-08-31. Review status: criteria provided, single submitter. Criteria: Invitae Variant Classification Sherloc (09022015). Collection method: clinical testing. Allele origin: germline.
Comment: This sequence change replaces proline with leucine at codon 1287 of the COL4A5 protein (p.Pro1287Leu). The proline residue is highly conserved and there is a moderate physicochemical difference between proline and leucine. This variant is not present in population databases (ExAC no frequency). This missense change has been observed in individual(s) with Alport syndrome (external communication). ClinVar contains an entry for this variant (Variation ID: 1002655). Advanced modeling of protein sequence and biophysical properties (such as structural, functional, and spatial information, amino acid conservation, physicochemical variation, residue mobility, and thermodynamic stability) performed at Invitae indicates that this missense variant is not expected to disrupt COL4A5 protein function. In summary, the available evidence is currently insufficient to determine the role of this variant in disease. Therefore, it has been classified as a Variant of Uncertain Significance.

CENTOGENE GmbH and LLC - Guiding Precision Medicine
Classification: Uncertain significance for X-linked Alport syndrome. Last evaluated: 2021-01-04. Review status: criteria provided, single submitter. Criteria: ACMG Guidelines, 2015. Collection method: clinical testing. Allele origin: germline.

Natera, Inc.
Classification: Uncertain significance for X-linked Alport syndrome. Last evaluated: 2021-03-10. Review status: no assertion criteria provided. Collection method: clinical testing. Allele origin: germline. Not counted in ClinVar's aggregate classification.